The following is an entry in ClinVar:

ClinVar aggregate classification (germline): Uncertain significance (1 of 4 stars; one submission).

gnomAD v4.1: 1 of 1,613,990 alleles (0.000062%); no homozygotes.

Submission:

GeneDx
Classification: Uncertain significance. Last evaluated: 2022-08-15. Review status: criteria provided, single submitter. Criteria: GeneDx Variant Classification Process June 2021. Collection method: clinical testing. Allele origin: germline. Affected: yes.
Comment: Not observed at significant frequency in large population cohorts (gnomAD); In silico analysis supports that this missense variant does not alter protein structure/function; Has not been previously published as pathogenic or benign to our knowledge

NM_018489.3(ASH1L):c.1777G>A (p.Glu593Lys)

Gene: ASH1L (ASH1 like histone lysine methyltransferase; minus strand). Cytogenetic location: 1q22.
Variant type: single nucleotide variant.
Coding change: c.1777G>A on transcript NM_018489.3 (MANE Select); coding-DNA position 1777, G replaced by A.
Protein change: p.Glu593Lys; replaces glutamic acid 593 with lysine.
Molecular consequence: missense variant.
Genome position (GRCh38, 1-based): chr1:155,481,093, C>T on the plus strand (G>A on the coding strand, the complement: ASH1L is on the minus strand). VCF-style: chr1-155481093-C-T. GRCh37 (hg19) VCF-style: chr1-155450884-C-T.
Other names: c.1777G>A, p.Glu593Lys (NM_001366177.2); short protein forms E593K.
Identifiers: ClinVar variation 2430432 (VCV002430432.1), dbSNP rs867128307, ClinGen allele CA30914881.